The following is an entry in ClinVar:

ClinVar aggregate classification (germline): Uncertain significance. Review status: criteria provided, multiple submitters, no conflicts (2 of 4 stars). 4 submissions from 4 submitters: Uncertain significance (4). Last evaluated 2025-08-01.

Conditions:
Hereditary cancer-predisposing syndrome. Also called: Neoplastic Syndromes, Hereditary; Hereditary Cancer Syndrome; Tumor predisposition; Hereditary neoplastic syndrome. Identifiers: Orphanet 140162, MedGen C0027672, MeSH D009386, MONDO:0015356.
Ataxia-telangiectasia syndrome (AT). Also called: LOUIS-BAR SYNDROME; Cerebello-oculocutaneous telangiectasia; Immunodeficiency with ataxia telangiectasia; Ataxia-telangiectasia, complementation group D; AT, COMPLEMENTATION GROUP C; Ataxia-telangiectasia, complementation group E. Identifiers: Orphanet 100, MedGen C0004135, MONDO:0008840, OMIM 208900.

gnomAD v4.1: 2 of 1,614,180 alleles (0.00012%); highest among the groups gnomAD compares: Non-Finnish European, 0.00017%; no homozygotes.

Submissions (4):

Ambry Genetics
Classification: Uncertain significance for Hereditary cancer-predisposing syndrome. Last evaluated: 2025-08-01. Review status: criteria provided, single submitter. Criteria: Ambry Variant Classification Scheme 2023. Collection method: clinical testing. Allele origin: germline.
Comment: The p.G3029V variant (also known as c.9086G>T), located in coding exon 62 of the ATM gene, results from a G to T substitution at nucleotide position 9086. The glycine at codon 3029 is replaced by valine, an amino acid with dissimilar properties. This amino acid position is not well conserved in available vertebrate species. In addition, the in silico prediction for this alteration is inconclusive. Based on the available evidence, the clinical significance of this variant remains unclear.

Center for Genomic Medicine, Rigshospitalet, Copenhagen University Hospital
Classification: Uncertain significance. Last evaluated: 2025-03-04. Review status: criteria provided, single submitter. Criteria: ACMG Guidelines, 2015. Collection method: clinical testing. Allele origin: germline.

Labcorp Genetics (formerly Invitae), Labcorp
Classification: Uncertain significance for Ataxia-telangiectasia syndrome. Last evaluated: 2024-02-11. Review status: criteria provided, single submitter. Criteria: Invitae Variant Classification Sherloc (09022015). Collection method: clinical testing. Allele origin: germline.
Comment: This sequence change replaces glycine, which is neutral and non-polar, with valine, which is neutral and non-polar, at codon 3029 of the ATM protein (p.Gly3029Val). This variant is present in population databases (rs201199629, gnomAD 0.0009%). This variant has not been reported in the literature in individuals affected with ATM-related conditions. ClinVar contains an entry for this variant (Variation ID: 421788). An algorithm developed to predict the effect of missense changes on protein structure and function (PolyPhen-2) suggests that this variant is likely to be disruptive. In summary, the available evidence is currently insufficient to determine the role of this variant in disease. Therefore, it has been classified as a Variant of Uncertain Significance.

GeneDx
Classification: Uncertain significance. Last evaluated: 2016-07-25. Review status: criteria provided, single submitter. Criteria: GeneDx Variant Classification (06012015). Collection method: clinical testing. Allele origin: germline. Affected: yes.
Comment: This variant is denoted ATM c.9086G>T at the cDNA level, p.Gly3029Val (G3029V) at the protein level, and results in the change of a Glycine to a Valine (GGT>GTT). This variant has not, to our knowledge, been published in the literature as pathogenic or benign. ATM Gly3029Val was not observed in approximately 6,500 individuals of European and African American ancestry in the NHLBI Exome Sequencing Project, suggesting it is not a common benign variant in these populations. Since Glycine and Valine share similar properties, this is considered a conservative amino acid substitution. ATM Gly3029Val occurs at a position that is not conserved and is located in FATC domain (Tavtigian 2009, Stracker 2013). In silico analyses predict that this variant is probably damaging to protein structure and function. Based on currently available evidence, it is unclear whether ATM Gly3029Val is a pathogenic or benign variant. We consider it to be a variant of uncertain significance.

NM_000051.4(ATM):c.9086G>T (p.Gly3029Val)

Genes: ATM (ATM serine/threonine kinase; plus strand), C11orf65 (chromosome 11 open reading frame 65; minus strand). Cytogenetic location: 11q22.3.
Variant type: single nucleotide variant.
Coding change: c.9086G>T on transcript NM_000051.4 (MANE Select); coding-DNA position 9086, G replaced by T.
Protein change: p.Gly3029Val; replaces glycine 3029 with valine.
Molecular consequence: missense variant. On other transcripts: intron variant (2).
Genome position (GRCh38, 1-based): chr11:108,365,423, G>T. VCF-style: chr11-108365423-G-T. GRCh37 (hg19) VCF-style: chr11-108236150-G-T.
Other names: c.9086G>T, p.Gly3029Val (NM_001351834.2); c.640+20497C>A (NM_001330368.2); c.694+20497C>A (NM_001351110.2); short protein forms G3029V.
Identifiers: ClinVar variation 421788 (VCV000421788.16), dbSNP rs201199629, ClinGen allele CA6266519.